The following is an entry in ClinVar:

NM_001127208.3(TET2):c.1648C>T (p.Arg550Ter)

Genes: TET2 (tet methylcytosine dioxygenase 2; plus strand), TET2-AS1 (TET2 antisense RNA 1; minus strand). Cytogenetic location: 4q24.
Variant type: single nucleotide variant.
Coding change: c.1648C>T on transcript NM_001127208.3 (MANE Select); coding-DNA position 1648, C replaced by T.
Protein change: p.Arg550Ter; replaces arginine 550 with a stop codon.
Molecular consequence: nonsense.
Genome position (GRCh38, 1-based): chr4:105,235,590, C>T. VCF-style: chr4-105235590-C-T. GRCh37 (hg19) VCF-style: chr4-106156747-C-T.
Other names: c.1648C>T, p.Arg550Ter (NM_017628.4); short protein forms R550*.
Identifiers: ClinVar variation 2681601 (VCV002681601.4), dbSNP rs572712965, ClinGen allele CA3031727.

ClinVar aggregate classification (germline): Pathogenic. Review status: criteria provided, single submitter (1 of 4 stars). 2 submissions from 2 submitters: Pathogenic (1). 1 of the submissions does not count toward it. Last evaluated 2025-08-14.

Conditions:
EBV-positive nodal T- and NK-cell lymphoma.

Allele frequency attached by ClinVar (database versions not stated): 1000 Genomes Project 30x 0.00031; 1000 Genomes Project 0.00040.
gnomAD v4.1: 28 of 1,614,086 alleles (0.0017%); highest among the groups gnomAD compares: Middle Eastern, 0.016%; no homozygotes.

Submissions (2):

Labcorp Genetics (formerly Invitae), Labcorp
Classification: Pathogenic. Last evaluated: 2025-08-14. Review status: criteria provided, single submitter. Criteria: Invitae Variant Classification Sherloc (09022015). Collection method: clinical testing. Allele origin: germline.
Comment: This sequence change creates a premature translational stop signal (p.Arg550*) in the TET2 gene. It is expected to result in an absent or disrupted protein product. Loss-of-function variants in TET2 are known to be pathogenic (PMID: 36066697). The frequency data for this variant in the population databases is considered unreliable, as metrics indicate poor data quality at this position in the gnomAD database. This variant has not been reported in the literature in individuals affected with TET2-related conditions. ClinVar contains an entry for this variant (Variation ID: 2681601). For these reasons, this variant has been classified as Pathogenic.

Department of Clinical Pathology, School of Medicine, Fujita Health University
Classification: Pathogenic for EBV-positive nodal T- and NK-cell lymphoma. Review status: no assertion criteria provided. Collection method: research. Allele origin: unknown. Affected: yes. Not counted in ClinVar's aggregate classification.

Literature cited by the submitters: PubMed 36066697 (cited by Labcorp Genetics (formerly Invitae), Labcorp).